The following is an entry in ClinVar:

ClinVar aggregate classification (germline): Pathogenic (1 of 4 stars; one submission).

Conditions:
Baller-Gerold syndrome (BGS). Also called: CRANIOSYNOSTOSIS WITH RADIAL DEFECTS. Identifiers: Orphanet 1225, MedGen C0265308, MONDO:0009039, OMIM 218600.

Submission:

Labcorp Genetics (formerly Invitae), Labcorp
Classification: Pathogenic for Baller-Gerold syndrome. Last evaluated: 2023-09-30. Review status: criteria provided, single submitter. Criteria: Invitae Variant Classification Sherloc (09022015). Collection method: clinical testing. Allele origin: germline.
Comment: This sequence change creates a premature translational stop signal (p.Ser286Ilefs*10) in the RECQL4 gene. It is expected to result in an absent or disrupted protein product. Loss-of-function variants in RECQL4 are known to be pathogenic (PMID: 12734318, 12952869). This variant is not present in population databases (gnomAD no frequency). This variant has not been reported in the literature in individuals affected with RECQL4-related conditions. For these reasons, this variant has been classified as Pathogenic.

Literature cited by the submitters: PubMed 12734318; PubMed 12952869.

NM_004260.4(RECQL4):c.854dup (p.Ser286fs)

Gene: RECQL4 (RecQ like helicase 4; minus strand). Cytogenetic location: 8q24.3.
Variant type: Duplication.
Coding change: c.854dup on transcript NM_004260.4 (MANE Select); coding-DNA position 854, one base duplicated (C; older notation c.854dupC).
Protein change: p.Ser286fs; shifts the reading frame from serine 286.
Molecular consequence: frameshift variant. On other transcripts: 5 prime UTR variant (17), non-coding transcript variant (3).
Genome position (GRCh38, 1-based): chr8:144,516,265, G duplicated on the plus strand (C on the coding strand, the reverse complement: RECQL4 is on the minus strand); the first of 5 consecutive G bases (chr8:144,516,265-144,516,269); duplicating any one gives the same sequence. VCF-style (leftmost placement, unchanged base first): chr8-144516264-T-TG. GRCh37 (hg19) VCF-style: chr8-145741648-T-TG.
Other names: c.854dup, p.Ser286fs (NM_001413017.1, NM_001413018.1, NM_001413019.1 and 4 more transcripts); c.-218dup (NM_001413021.1, NM_001413022.1, NM_001413023.1 and 7 more transcripts); c.725dup, p.Ser243fs (NM_001413025.1); c.-280dup (NM_001413027.1, NM_001413030.1, NM_001413031.1 and 2 more transcripts); c.503dup, p.Ser169fs (NM_001413029.1); c.-122dup (NM_001413034.1); c.-487dup (NM_001413043.1); short protein forms S243fs, S169fs, S286fs.
Identifiers: ClinVar variation 2746991 (VCV002746991.3), dbSNP rs1292831710, ClinGen allele CA2697550244.